The following is an entry in ClinVar:

ClinVar aggregate classification (germline): Likely pathogenic (1 of 4 stars; one submission).

Allele frequency attached by ClinVar (database versions not stated): ExAC 0.00002; TOPMed below 0.00001; gnomAD 0.00003; gnomAD exomes 0.00001; 1000 Genomes Project 30x 0.00016.
gnomAD v4.1: 17 of 1,613,934 alleles (0.0011%); highest among the groups gnomAD compares: Admixed American, 0.0067%; no homozygotes.

Submission:

Labcorp Genetics (formerly Invitae), Labcorp
Classification: Likely pathogenic. Last evaluated: 2025-04-21. Review status: criteria provided, single submitter. Criteria: Invitae Variant Classification Sherloc (09022015). Collection method: clinical testing. Allele origin: germline.
Comment: This sequence change replaces arginine, which is basic and polar, with cysteine, which is neutral and slightly polar, at codon 1835 of the MYO15A protein (p.Arg1835Cys). This variant is present in population databases (rs767816220, gnomAD 0.009%). This variant has not been reported in the literature in individuals affected with MYO15A-related conditions. ClinVar contains an entry for this variant (Variation ID: 2956069). Invitae Evidence Modeling of protein sequence and biophysical properties (such as structural, functional, and spatial information, amino acid conservation, physicochemical variation, residue mobility, and thermodynamic stability) indicates that this missense variant is expected to disrupt MYO15A protein function with a positive predictive value of 95%. This variant disrupts the p.Arg1835 amino acid residue in MYO15A. Other variant(s) that disrupt this residue have been determined to be pathogenic (PMID: 29482514, 35346193). This suggests that this residue is clinically significant, and that variants that disrupt this residue are likely to be disease-causing. In summary, the currently available evidence indicates that the variant is pathogenic, but additional data are needed to prove that conclusively. Therefore, this variant has been classified as Likely Pathogenic.

Literature cited by the submitters: PubMed 29482514; PubMed 35346193.

NM_016239.4(MYO15A):c.5503C>T (p.Arg1835Cys)

Gene: MYO15A (myosin XVA; plus strand). Cytogenetic location: 17p11.2.
Variant type: single nucleotide variant.
Coding change: c.5503C>T on transcript NM_016239.4 (MANE Select); coding-DNA position 5503, C replaced by T.
Protein change: p.Arg1835Cys; replaces arginine 1835 with cysteine.
Molecular consequence: missense variant.
Genome position (GRCh38, 1-based): chr17:18,141,115, C>T. VCF-style: chr17-18141115-C-T. GRCh37 (hg19) VCF-style: chr17-18044429-C-T.
Other names: short protein forms R1835C.
Identifiers: ClinVar variation 2956069 (VCV002956069.3), dbSNP rs767816220, ClinGen allele CA8424298.